The following is an entry in ClinVar:

NM_000059.4(BRCA2):c.5279dup (p.Gly1761fs)

Gene: BRCA2 (BRCA2 DNA repair associated; plus strand). Cytogenetic location: 13q13.1.
Variant type: Duplication.
Coding change: c.5279dup on transcript NM_000059.4 (MANE Select); coding-DNA position 5279, one base duplicated (C; older notation c.5279dupC).
Protein change: p.Gly1761fs; shifts the reading frame from glycine 1761.
Molecular consequence: frameshift variant.
Genome position (GRCh38, 1-based): chr13:32,339,634, C duplicated. VCF-style (leftmost placement, unchanged base first): chr13-32339633-T-TC. GRCh37 (hg19) VCF-style: chr13-32913770-T-TC.
Other names: c.5279dupC (NM_000059.3); short protein forms G1761fs.
Identifiers: ClinVar variation 1074040 (VCV001074040.8), dbSNP rs2137515895, ClinGen allele CA2499222193.

ClinVar aggregate classification (germline): Pathogenic. Review status: criteria provided, multiple submitters, no conflicts (2 of 4 stars). 2 submissions from 2 submitters: Pathogenic (2). Last evaluated 2025-10-21.

Conditions:
Hereditary cancer-predisposing syndrome. Also called: Tumor predisposition; Hereditary neoplastic syndrome; Neoplastic Syndromes, Hereditary; Hereditary Cancer Syndrome. Identifiers: Orphanet 140162, MedGen C0027672, MeSH D009386, MONDO:0015356.
Hereditary breast ovarian cancer syndrome. Also called: Hereditary breast and ovarian cancer syndrome (HBOC); Hereditary breast and/or ovarian cancer syndrome; Hereditary breast and ovarian cancer; BRCA1- and BRCA2-Associated Hereditary Breast and Ovarian Cancer; Hereditary breast and ovarian cancer syndrome; Breast and ovarian cancer. Identifiers: Orphanet 145, MedGen C0677776, MeSH D061325, MONDO:0003582. Disease mechanism: loss of function.

Submissions (2):

Ambry Genetics
Classification: Pathogenic for Hereditary cancer-predisposing syndrome. Last evaluated: 2025-10-21. Review status: criteria provided, single submitter. Criteria: Ambry Variant Classification Scheme 2023. Collection method: clinical testing. Allele origin: germline.
Comment: The c.5279dupC pathogenic mutation, located in coding exon 10 of the BRCA2 gene, results from a duplication of C at nucleotide position 5279, causing a translational frameshift with a predicted alternate stop codon (p.G1761Rfs*7). This variant is considered to be rare based on population cohorts in the Genome Aggregation Database (gnomAD). This alteration is expected to result in loss of function by premature protein truncation or nonsense-mediated mRNA decay. As such, this alteration is interpreted as a disease-causing mutation.

Labcorp Genetics (formerly Invitae), Labcorp
Classification: Pathogenic for Hereditary breast ovarian cancer syndrome. Last evaluated: 2021-01-26. Review status: criteria provided, single submitter. Criteria: Invitae Variant Classification Sherloc (09022015). Collection method: clinical testing. Allele origin: germline.
Comment: For these reasons, this variant has been classified as Pathogenic. This variant has not been reported in the literature in individuals with BRCA2-related conditions. This variant is not present in population databases (ExAC no frequency). This sequence change creates a premature translational stop signal (p.Gly1761Argfs*7) in the BRCA2 gene. It is expected to result in an absent or disrupted protein product. Loss-of-function variants in BRCA2 are known to be pathogenic (PMID: 20104584).

Literature cited by the submitters: PubMed 20104584 (cited by Labcorp Genetics (formerly Invitae), Labcorp).